The following is an entry in ClinVar:

NM_001130965.3(SUN1):c.1042C>A (p.Gln348Lys)

Gene: SUN1 (Sad1 and UNC84 domain containing 1; plus strand). Cytogenetic location: 7p22.3.
Variant type: single nucleotide variant.
Coding change: c.1042C>A on transcript NM_001130965.3 (MANE Select); coding-DNA position 1042, C replaced by A.
Protein change: p.Gln348Lys; replaces glutamine 348 with lysine.
Molecular consequence: missense variant. On other transcripts: non-coding transcript variant (3).
Genome position (GRCh38, 1-based): chr7:852,941, C>A. VCF-style: chr7-852941-C-A. GRCh37 (hg19) VCF-style: chr7-892578-C-A.
Other names: c.1084C>A, p.Gln362Lys (NM_001367668.1, NM_001367647.1); c.1069C>A, p.Gln357Lys (NM_001367669.1); c.892C>A, p.Gln298Lys (NM_001367670.1, NM_001367660.1); c.889C>A, p.Gln297Lys (NM_001367671.1, NM_001367662.1); c.1042C>A, p.Gln348Lys (NM_001367672.1, NM_001367633.1, NM_001367634.1 and 1 more transcripts); c.1174C>A, p.Gln392Lys (NM_001367673.1, NM_001367706.1); c.1240C>A, p.Gln414Lys (NM_001367674.1); c.1225C>A, p.Gln409Lys (NM_001367675.1, NM_001367676.1); and 38 more; short protein forms Q110K, Q265K, Q297K, Q326K, Q334K, Q347K, Q363K, Q376K.
Identifiers: ClinVar variation 2966182 (VCV002966182.3), dbSNP rs2487436649, ClinGen allele CA366530793.

ClinVar aggregate classification (germline): Uncertain significance (1 of 4 stars; one submission).

Conditions:
Emery-Dreifuss muscular dystrophy (EDMD). Also called: Scapuloperoneal syndrome, X-linked (formerly); Humeroperoneal neuromuscular disease, (formerly). Identifiers: Orphanet 261, MedGen C0410189, MONDO:0016830.

Allele frequency attached by ClinVar (database versions not stated): gnomAD exomes 0.00002.
gnomAD v4.1: 25 of 1,612,556 alleles (0.0016%); highest among the groups gnomAD compares: Non-Finnish European, 0.0021%; no homozygotes.

Submission:

Labcorp Genetics (formerly Invitae), Labcorp
Classification: Uncertain significance for Emery-Dreifuss muscular dystrophy. Last evaluated: 2022-12-19. Review status: criteria provided, single submitter. Criteria: Invitae Variant Classification Sherloc (09022015). Collection method: clinical testing. Allele origin: germline.
Comment: This variant is not present in population databases (gnomAD no frequency). This sequence change replaces glutamine, which is neutral and polar, with lysine, which is basic and polar, at codon 348 of the SUN1 protein (p.Gln348Lys). This variant has not been reported in the literature in individuals affected with SUN1-related conditions. In summary, the available evidence is currently insufficient to determine the role of this variant in disease. Therefore, it has been classified as a Variant of Uncertain Significance. Algorithms developed to predict the effect of missense changes on protein structure and function (SIFT, PolyPhen-2, Align-GVGD) all suggest that this variant is likely to be tolerated.